The following is an entry in ClinVar:

NM_000138.5(FBN1):c.6670A>C (p.Thr2224Pro)

Gene: FBN1 (fibrillin 1; minus strand). Cytogenetic location: 15q21.1.
Variant type: single nucleotide variant.
Coding change: c.6670A>C on transcript NM_000138.5 (MANE Select); coding-DNA position 6670, A replaced by C.
Protein change: p.Thr2224Pro; replaces threonine 2224 with proline.
Molecular consequence: missense variant.
Genome position (GRCh38, 1-based): chr15:48,432,935, T>G on the plus strand (A>C on the coding strand, the complement: FBN1 is on the minus strand). VCF-style: chr15-48432935-T-G. GRCh37 (hg19) VCF-style: chr15-48725132-T-G.
Other names: c.6670A>C, p.Thr2224Pro (NM_001406716.1); short protein forms T2224P.
Identifiers: ClinVar variation 1754802 (VCV001754802.2), dbSNP rs751025814, ClinGen allele CA392333516.

ClinVar aggregate classification (germline): Uncertain significance (1 of 4 stars; one submission).

Conditions:
Familial thoracic aortic aneurysm and aortic dissection (TAAD). Also called: Thoracic aortic aneurysms and dissections. Identifiers: Orphanet 91387, MedGen C4707243, MONDO:0019625.

Submission:

Ambry Genetics
Classification: Uncertain significance for Familial thoracic aortic aneurysm and aortic dissection. Last evaluated: 2020-08-24. Review status: criteria provided, single submitter. Criteria: Ambry Variant Classification Scheme 2023. Collection method: clinical testing. Allele origin: germline.
Comment: The p.T2224P variant (also known as c.6670A>C), located in coding exon 54 of the FBN1 gene, results from an A to C substitution at nucleotide position 6670. The threonine at codon 2224 is replaced by proline, an amino acid with highly similar properties, and is located in the cbEGF-like #34 domain. This variant was detected in an individual described as having incomplete Marfan syndrome with cardiovascular and skeletal system findings but who did not meet Ghent criteria (Comeglio P et al. Hum. Mutat., 2007 Sep;28:928). This amino acid position is well conserved in available vertebrate species. In addition, this alteration is predicted to be deleterious by in silico analysis. Since supporting evidence is limited at this time, the clinical significance of this alteration remains unclear.

Literature cited by the submitters: PubMed 17657824.